The following is an entry in ClinVar:

ClinVar aggregate classification (germline): Likely benign. Review status: criteria provided, multiple submitters, no conflicts (2 of 4 stars). 2 submissions from 2 submitters: Likely benign (2). Last evaluated 2025-07-31.

Conditions:
Neurofibromatosis, type 2 (SWNV). Also called: BILATERAL ACOUSTIC NEUROFIBROMATOSIS; SCHWANNOMATOSIS, VESTIBULAR; NF2-Related Schwannomatosis. Identifiers: Orphanet 637, MedGen C0027832, MONDO:0007039, OMIM 101000. Disease mechanism: loss of function.

Allele frequency attached by ClinVar (database versions not stated): TOPMed below 0.00001.

Submissions (2):

Labcorp Genetics (formerly Invitae), Labcorp
Classification: Likely benign for Neurofibromatosis, type 2. Last evaluated: 2025-07-31. Review status: criteria provided, single submitter. Criteria: Invitae Variant Classification Sherloc (09022015). Collection method: clinical testing. Allele origin: germline.

All of Us Research Program, National Institutes of Health
Classification: Likely benign for Neurofibromatosis, type 2. Last evaluated: 2024-04-25. Review status: criteria provided, single submitter. Criteria: ACMG Guidelines, 2015. Collection method: clinical testing. Allele origin: germline. Inheritance: Autosomal dominant inheritance. Observed: 1 variant allele, 1 heterozygote.
Comment: This study involves interpretation of variants in research participants for the purpose of population health screening. Participant phenotype was not available at the time of variant classification. Additional details can be found in publication PMID: 35346344, PMCID: PMC8962531

NM_000268.4(NF2):c.364-10C>A

Gene: NF2 (NF2, moesin-ezrin-radixin like (MERLIN) tumor suppressor; plus strand). Cytogenetic location: 22q12.2.
Variant type: single nucleotide variant.
Coding change: c.364-10C>A on transcript NM_000268.4 (MANE Select); 10 bases into the intron before coding-DNA position 364, C replaced by A.
Molecular consequence: intron variant.
Genome position (GRCh38, 1-based): chr22:29,642,192, C>A. VCF-style: chr22-29642192-C-A. GRCh37 (hg19) VCF-style: chr22-30038181-C-A.
Other names: c.364-10C>A (NM_016418.5, NM_181832.3, NM_181833.3 and 1 more transcripts); c.241-10C>A (NM_181829.3); c.238-10C>A (NM_181828.3); c.115-10C>A (NM_181830.3, NM_181831.3).
Identifiers: ClinVar variation 1580063 (VCV001580063.9), dbSNP rs2065829328, ClinGen allele CA2400669555.